The following is an entry in ClinVar:

ClinVar aggregate classification (germline): Uncertain significance. Review status: criteria provided, multiple submitters, no conflicts (2 of 4 stars). 7 submissions from 3 submitters: Uncertain significance (7). Last evaluated 2018-01-13.

Conditions:
Dilated cardiomyopathy 1G (CMD1G). Identifiers: Orphanet 154, MedGen C1858763, MONDO:0011400, OMIM 604145.
Autosomal recessive limb-girdle muscular dystrophy type 2J (LGMDR10). Also called: Limb-girdle muscular dystrophy, type 2J; MUSCULAR DYSTROPHY, LIMB-GIRDLE, AUTOSOMAL RECESSIVE 10. Identifiers: Orphanet 140922, MedGen C1837342, MONDO:0012127, OMIM 608807.
Early-onset myopathy with fatal cardiomyopathy (CMYO5). Also called: CONGENITAL MYOPATHY 5 WITH CARDIOMYOPATHY; Salih Myopathy. Identifiers: Orphanet 289377, MedGen C2673677, MONDO:0012714, OMIM 611705. Disease mechanism: loss of function.
Myopathy, myofibrillar, 9, with early respiratory failure (MFM9). Also called: MYOPATHY, PROXIMAL, WITH EARLY RESPIRATORY MUSCLE INVOLVEMENT; Myopathy, distal, with early respiratory failure, autosomal dominant; Hereditary myopathy with early respiratory failure; EDSTROM MYOPATHY. Identifiers: Orphanet 178464, Orphanet 34521, MedGen C1863599, MONDO:0011362, OMIM 603689.
Tibial muscular dystrophy (TMD). Also called: Tibial muscular dystrophy, tardive; UDD MYOPATHY; Udd Distal Myopathy – Tibial Muscular Dystrophy. Identifiers: Orphanet 609, MedGen C1838244, MONDO:0010870, OMIM 600334.

Allele frequency attached by ClinVar (database versions not stated): gnomAD 0.00001; ExAC 0.00002; gnomAD exomes 0.00002 and 0.00004; TOPMed 0.00002; 1000 Genomes Project 0.00020; 1000 Genomes Project 30x 0.00031.
gnomAD v4.1: 61 of 1,612,934 alleles (0.0038%); highest among the groups gnomAD compares: Admixed American, 0.012%; no homozygotes.

Submissions (7):

Illumina Laboratory Services, Illumina
Classification: Uncertain significance for Dilated cardiomyopathy 1G. Last evaluated: 2018-01-13. Review status: criteria provided, single submitter. Criteria: ICSL Variant Classification Criteria 13 December 2019. Collection method: clinical testing. Allele origin: germline.

Illumina Laboratory Services, Illumina
Classification: Uncertain significance for Tibial muscular dystrophy. Last evaluated: 2018-01-13. Review status: criteria provided, single submitter. Criteria: ICSL Variant Classification Criteria 13 December 2019. Collection method: clinical testing. Allele origin: germline.

Illumina Laboratory Services, Illumina
Classification: Uncertain significance for Early-onset myopathy with fatal cardiomyopathy. Last evaluated: 2018-01-13. Review status: criteria provided, single submitter. Criteria: ICSL Variant Classification Criteria 13 December 2019. Collection method: clinical testing. Allele origin: germline.

Illumina Laboratory Services, Illumina
Classification: Uncertain significance for Autosomal recessive limb-girdle muscular dystrophy type 2J. Last evaluated: 2018-01-13. Review status: criteria provided, single submitter. Criteria: ICSL Variant Classification Criteria 13 December 2019. Collection method: clinical testing. Allele origin: germline.

Illumina Laboratory Services, Illumina
Classification: Uncertain significance for Myopathy, myofibrillar, 9, with early respiratory failure. Last evaluated: 2018-01-13. Review status: criteria provided, single submitter. Criteria: ICSL Variant Classification Criteria 13 December 2019. Collection method: clinical testing. Allele origin: germline.

Labcorp Genetics (formerly Invitae), Labcorp
Classification: Uncertain significance for Dilated cardiomyopathy 1G; Autosomal recessive limb-girdle muscular dystrophy type 2J. Last evaluated: 2017-12-27. Review status: criteria provided, single submitter. Criteria: Invitae Variant Classification Sherloc (09022015). Collection method: clinical testing. Allele origin: germline.

Laboratory for Molecular Medicine, Mass General Brigham Personalized Medicine
Classification: Uncertain significance. Last evaluated: 2012-08-22. Review status: criteria provided, single submitter. Criteria: LMM Criteria. Collection method: clinical testing. Allele origin: germline. Observed: 1 variant allele.
Comment: The Ile11799Thr variant in TTN has not been reported in the literature nor previ ously identified by our laboratory. Computational analyses (biochemical amino ac id properties, conservation, AlignGVGD, PolyPhen2, and SIFT) suggest that this v ariant may impact the protein, though this information is not predictive enough to determine pathogenicity. Additional information is needed to fully assess the clinical significance of this variant.

NM_001267550.2(TTN):c.43100T>C (p.Ile14367Thr)

Gene: TTN (titin; minus strand). Cytogenetic location: 2q31.2.
Variant type: single nucleotide variant.
Coding change: c.43100T>C on transcript NM_001267550.2 (MANE Select); coding-DNA position 43100, T replaced by C.
Protein change: p.Ile14367Thr; replaces isoleucine 14367 with threonine.
Molecular consequence: missense variant.
Genome position (GRCh38, 1-based): chr2:178,633,031, A>G on the plus strand (T>C on the coding strand, the complement: TTN is on the minus strand). VCF-style: chr2-178633031-A-G. GRCh37 (hg19) VCF-style: chr2-179497758-A-G.
Other names: c.35396T>C, p.Ile11799Thr (NM_133378.4); c.38177T>C, p.Ile12726Thr (NM_001256850.1); c.15905T>C, p.Ile5302Thr (NM_003319.4); c.16280T>C, p.Ile5427Thr (NM_133432.3); c.16481T>C, p.Ile5494Thr (NM_133437.4); short protein forms I14367T, I11799T, I12726T, I5302T, I5427T, I5494T.
Identifiers: ClinVar variation 46965 (VCV000046965.11), dbSNP rs397517572, ClinGen allele CA139653.